The following is an entry in ClinVar:

NM_024426.6(WT1):c.200C>G (p.Ser67Cys)

Genes: WT1 (WT1 transcription factor; minus strand), LOC107982234 (WT1/WT1-AS bi-directional promoter region; plus strand). Cytogenetic location: 11p13.
Variant type: single nucleotide variant.
Coding change: c.200C>G on transcript NM_024426.6 (MANE Select); coding-DNA position 200, C replaced by G.
Protein change: p.Ser67Cys; replaces serine 67 with cysteine.
Molecular consequence: missense variant. On other transcripts: non-coding transcript variant (1).
Genome position (GRCh38, 1-based): chr11:32,435,161, G>C on the plus strand (C>G on the coding strand, the complement: WT1 is on the minus strand). VCF-style: chr11-32435161-G-C. GRCh37 (hg19) VCF-style: chr11-32456707-G-C.
Other names: c.200C>G, p.Ser67Cys (NM_000378.6, NM_024424.5); short protein forms S67C.
Identifiers: ClinVar variation 476694 (VCV000476694.10), dbSNP rs1327516147, ClinGen allele CA379966175.

ClinVar aggregate classification (germline): Conflicting classifications of pathogenicity. Review status: criteria provided, conflicting classifications (1 of 4 stars). 4 submissions from 4 submitters: Uncertain significance (3); Likely benign (1). Last evaluated 2025-01-21.

Conditions:
Wilms tumor 1 (WT1). Also called: Wilms tumor, somatic. Identifiers: Orphanet 654, MedGen CN033288, MONDO:0008679, OMIM 194070.
Drash syndrome (DDS). Also called: NEPHROPATHY, WILMS TUMOR, AND GENITAL ANOMALIES; WILMS TUMOR AND PSEUDO- OR TRUE HERMAPHRODITISM. Identifiers: Orphanet 220, MedGen C0950121, MONDO:0008682, OMIM 194080.
11p partial monosomy syndrome (WAGR). Also called: WAGR Spectrum Disorder; CHROMOSOME 11p13 DELETION SYNDROME; WAGR syndrome; WAGR Complex. Identifiers: Orphanet 893, MedGen C0206115, MONDO:0008681, OMIM 194072.
Frasier syndrome. Identifiers: Orphanet 347, MedGen C0950122, MeSH D052159, MONDO:0007635, OMIM 136680.
Inborn genetic diseases. Identifiers: MedGen C0950123, MeSH D030342.
Hereditary cancer-predisposing syndrome. Also called: Neoplastic Syndromes, Hereditary; Hereditary Cancer Syndrome; Hereditary neoplastic syndrome; Tumor predisposition. Identifiers: Orphanet 140162, MedGen C0027672, MeSH D009386, MONDO:0015356.

Allele frequency attached by ClinVar (database versions not stated): gnomAD 0.00001; gnomAD exomes 0.00001; TOPMed 0.00001.
gnomAD v4.1: 4 of 1,521,660 alleles (0.00026%); highest among the groups gnomAD compares: Non-Finnish European, 0.00035%; no homozygotes.

Submissions (4):

Ambry Genetics
Classification: Likely benign for Inborn genetic diseases. Last evaluated: 2025-01-21. Review status: criteria provided, single submitter. Criteria: Ambry Variant Classification Scheme 2023. Collection method: clinical testing. Allele origin: germline.

Labcorp Genetics (formerly Invitae), Labcorp
Classification: Uncertain significance for Wilms tumor 1; Drash syndrome; 11p partial monosomy syndrome; Frasier syndrome. Last evaluated: 2023-09-15. Review status: criteria provided, single submitter. Criteria: Invitae Variant Classification Sherloc (09022015). Collection method: clinical testing. Allele origin: germline.
Comment: In summary, the available evidence is currently insufficient to determine the role of this variant in disease. Therefore, it has been classified as a Variant of Uncertain Significance. An algorithm developed to predict the effect of missense changes on protein structure and function (PolyPhen-2) suggests that this variant is likely to be disruptive. ClinVar contains an entry for this variant (Variation ID: 476694). This variant has not been reported in the literature in individuals affected with WT1-related conditions. The frequency data for this variant in the population databases is considered unreliable, as metrics indicate poor data quality at this position in the gnomAD database. This sequence change replaces serine, which is neutral and polar, with cysteine, which is neutral and slightly polar, at codon 62 of the WT1 protein (p.Ser62Cys).

Baylor Genetics
Classification: Uncertain significance for Drash syndrome. Last evaluated: 2023-07-05. Review status: criteria provided, single submitter. Criteria: ACMG Guidelines, 2015. Collection method: clinical testing. Allele origin: unknown.

Sema4
Classification: Uncertain significance for Hereditary cancer-predisposing syndrome. Last evaluated: 2021-09-02. Review status: criteria provided, single submitter. Criteria: Sema4 Curation Guidelines. Collection method: curation. Allele origin: germline.
Comment: The WT1 c.185C>G (p.S62C) variant has not been reported in the literature to our knowledge. It was observed in 1/45118 chromosomes of the Non-Finnish European subpopulation in the large and broad cohorts of the Genome Aggregation Database (PMID: 32461654). The variant has been reported in ClinVar (Variation ID 476694). In silico tools suggest the impact of the variant on protein function is benign, though these predictions have not been confirmed by functional studies. The evidence is insufficient to meet ACMG/AMP criteria for classifying the variant as benign or pathogenic. Thus, the clinical significance of this variant is currently uncertain.